The following is an entry in ClinVar:

ClinVar aggregate classification (germline): Uncertain significance (1 of 4 stars; one submission).

Allele frequency attached by ClinVar (database versions not stated): gnomAD exomes below 0.00001 and 0.00003; gnomAD 0.00001; TOPMed 0.00002.
gnomAD v4.1: 42 of 1,614,050 alleles (0.0026%); highest among the groups gnomAD compares: Non-Finnish European, 0.0034%; no homozygotes.

Submission:

Labcorp Genetics (formerly Invitae), Labcorp
Classification: Uncertain significance. Last evaluated: 2022-05-22. Review status: criteria provided, single submitter. Criteria: Invitae Variant Classification Sherloc (09022015). Collection method: clinical testing. Allele origin: germline.
Comment: This sequence change replaces cysteine, which is neutral and slightly polar, with arginine, which is basic and polar, at codon 709 of the HPS5 protein (p.Cys709Arg). This variant is present in population databases (no rsID available, gnomAD 0.004%). This variant has not been reported in the literature in individuals affected with HPS5-related conditions. Algorithms developed to predict the effect of missense changes on protein structure and function (SIFT, PolyPhen-2, Align-GVGD) all suggest that this variant is likely to be tolerated. In summary, the available evidence is currently insufficient to determine the role of this variant in disease. Therefore, it has been classified as a Variant of Uncertain Significance.

NM_181507.2(HPS5):c.2125T>C (p.Cys709Arg)

Gene: HPS5 (HPS5 biogenesis of lysosomal organelles complex 2 subunit 2; minus strand). Cytogenetic location: 11p15.1.
Variant type: single nucleotide variant.
Coding change: c.2125T>C on transcript NM_181507.2 (MANE Select); coding-DNA position 2125, T replaced by C.
Protein change: p.Cys709Arg; replaces cysteine 709 with arginine.
Molecular consequence: missense variant.
Genome position (GRCh38, 1-based): chr11:18,291,757, A>G on the plus strand (T>C on the coding strand, the complement: HPS5 is on the minus strand). VCF-style: chr11-18291757-A-G. GRCh37 (hg19) VCF-style: chr11-18313304-A-G.
Other names: c.1783T>C, p.Cys595Arg (NM_007216.4, NM_181508.2); short protein forms C709R, C595R.
Identifiers: ClinVar variation 1426919 (VCV001426919.5), dbSNP rs1448948194, ClinGen allele CA379489865.
Genomic context (GRCh38, chr11:18,291,757, plus strand): 5'-TGGCGCATGGAGAACATATTTGAAACAGGTCATCCAAAGACTCCCTTGGACTCCTTACAC[A>G]TTCACATGCTGTTTTATCAACAGATTCTTCATTGCCTAAAGAGTCCCTTTTTTCTTTTTC-3'
Protein context (NP_852608.1, residues 699-719): EESVDKTACE[Cys709Arg]VRSPRESLDD